The following continues an entry in ClinVar:

NM_007294.4(BRCA1):c.3327_3329del (p.Lys1110del)

ClinVar aggregate classification (germline): Conflicting classifications of pathogenicity. Uncertain significance (7); Benign (1); Likely benign (4).

Submissions 11 to 15 of 15:

ARUP Laboratories, Molecular Genetics and Genomics, ARUP Laboratories
Classification: Uncertain significance. Last evaluated: 2019-11-03. Review status: criteria provided, single submitter. Criteria: ARUP Molecular Germline Variant Investigation Process. Collection method: clinical testing. Allele origin: germline.
Comment: The BRCA1 c.3327_3329delAAA; p.Lys1110del variant (rs80357575) has been published in the literature in individuals with breast cancer (Ahmad 2012, Mehta 2018, Shah 2018). The variant is reported in the ClinVar database (Variation ID: 125625) and in the general population with an overall allele frequency of 0.001% (3/250,252 alleles) in the Genome Aggregation Database. The lysine at this position is moderately conserved and does not occur in a known functional domain. Additionally, at least one functional study shows this variant behaves like wild type (Bouwman 2013). Due to limited information, the clinical significance of the p.Lys1110del variant is uncertain at this time. References: Ahmad J et al. Detection of BRCA1/2 mutations in breast cancer patients from Thailand and Pakistan. Clin Genet. 2012 Dec;82(6):594-8. Bouwman P et al. A high-throughput functional complementation assay for classification of BRCA1 missense variants. Cancer Discov. 2013 Oct;3(10):1142-55. Mehta A et al. Germline BRCA1 and BRCA2 deleterious mutations and variants of unknown clinical significance associated with breast/ovarian cancer: a report from North India. Cancer Manag Res. 2018 Nov 30;10:6505-6516. Shah ND et al. Mutation analysis of BRCA1/2 mutations with special reference to polymorphic SNPs in Indian breast cancer patients. Appl Clin Genet. 2018 May 9;11:59-67.

Color Diagnostics, LLC DBA Color Health
Classification: Likely benign for Hereditary cancer-predisposing syndrome. Last evaluated: 2015-12-08. Review status: criteria provided, single submitter. Criteria: ACMG Guidelines, 2015. Collection method: clinical testing. Allele origin: germline.

3DMed Clinical Laboratory Inc
Classification: Uncertain significance for Cancer of the pancreas. Last evaluated: 2018-05-21. Review status: no assertion criteria provided. Criteria: ACMG Guidelines, 2015. Collection method: clinical testing. Allele origin: germline. Affected: yes. Not counted in ClinVar's aggregate classification.

Counsyl
Classification: Uncertain significance for Breast-ovarian cancer, familial, susceptibility to, 1. Last evaluated: 2017-01-17. Review status: no assertion criteria provided. Collection method: clinical testing. Allele origin: unknown. Not counted in ClinVar's aggregate classification.

Breast Cancer Information Core (BIC) (BRCA1)
Classification: Uncertain significance for Breast-ovarian cancer, familial 1. Last evaluated: 2003-12-23. Review status: no assertion criteria provided. Collection method: clinical testing. Allele origin: germline. Affected: yes. Observed: 2 variant alleles. Not counted in ClinVar's aggregate classification.

Literature cited by the submitters: PubMed 16267036 (cited by 5 submitters); PubMed 23867111 (cited by 5 submitters); PubMed 19370767 (cited by Women's Health and Genetics/Laboratory Corporation of America, LabCorp); PubMed 22486713 (cited by 3 submitters); PubMed 18273839 (cited by Women's Health and Genetics/Laboratory Corporation of America, LabCorp and Counsyl); PubMed 28263838 (cited by 3 submitters); PubMed 34413315 (cited by Women's Health and Genetics/Laboratory Corporation of America, LabCorp and Quest Diagnostics Nichols Institute San Juan Capistrano); PubMed 34597585 (cited by Women's Health and Genetics/Laboratory Corporation of America, LabCorp and Ambry Genetics); PubMed 36627197 (cited by Quest Diagnostics Nichols Institute San Juan Capistrano); PubMed 26911350 (cited by Quest Diagnostics Nichols Institute San Juan Capistrano); PubMed 34981296 (cited by Quest Diagnostics Nichols Institute San Juan Capistrano); PubMed 32467295 (cited by 3 submitters); PubMed 31131967 (cited by Quest Diagnostics Nichols Institute San Juan Capistrano); PubMed 30555256 (cited by Quest Diagnostics Nichols Institute San Juan Capistrano and Ambry Genetics); PubMed 32817299 (cited by Quest Diagnostics Nichols Institute San Juan Capistrano); PubMed 29785135 (cited by Quest Diagnostics Nichols Institute San Juan Capistrano and Ambry Genetics).